The following is an entry in ClinVar:

ClinVar aggregate classification (germline): Likely benign. Review status: criteria provided, multiple submitters, no conflicts (2 of 4 stars). 2 submissions from 2 submitters: Likely benign (2). Last evaluated 2018-01-13.

Conditions:
Piebaldism. Also called: Piebald skin depigmentation. Identifiers: Orphanet 2884, MedGen C0080024, MONDO:0008244, OMIM 172800, HP:0007544.

Allele frequency attached by ClinVar (database versions not stated): 1000 Genomes Project 0.00280; 1000 Genomes Project 30x 0.00281; TOPMed 0.00576; gnomAD 0.00860.

Submissions (2):

Illumina Laboratory Services, Illumina
Classification: Likely benign for Piebaldism. Last evaluated: 2018-01-13. Review status: criteria provided, single submitter. Criteria: ICSL Variant Classification Criteria 13 December 2019. Collection method: clinical testing. Allele origin: germline.
Comment: This variant was observed in the ICSL laboratory as part of a predisposition screen in an ostensibly healthy population. It had not been previously curated by ICSL or reported in the Human Gene Mutation Database (HGMD: prior to June 1st, 2018), and was therefore a candidate for classification through an automated scoring system. Utilizing variant allele frequency, disease prevalence and penetrance estimates, and inheritance mode, an automated score was calculated to assess if this variant is too frequent to cause the disease. Based on the score and internal cut-off values, a variant classified as likely benign is not then subjected to further curation. The score for this variant resulted in a classification of likely benign for this disease.

Breakthrough Genomics
Classification: Likely benign. Review status: criteria provided, single submitter. Criteria: ACMG Guidelines, 2015. Collection method: not provided. Allele origin: germline. Inheritance: Autosomal recessive inheritance. Affected: yes.

NM_003068.5(SNAI2):c.-102C>A

Gene: SNAI2 (snail family transcriptional repressor 2; minus strand). Cytogenetic location: 8q11.21.
Variant type: single nucleotide variant.
Coding change: c.-102C>A on transcript NM_003068.5 (MANE Select); 102 bases upstream of the start codon, C replaced by A.
Molecular consequence: 5 prime UTR variant.
Genome position (GRCh38, 1-based): chr8:48,921,367, G>T on the plus strand (C>A on the coding strand, the complement: SNAI2 is on the minus strand). VCF-style: chr8-48921367-G-T. GRCh37 (hg19) VCF-style: chr8-49833926-G-T.
Identifiers: ClinVar variation 363273 (VCV000363273.6), dbSNP rs576060545, ClinGen allele CA10627973.